The following is an entry in ClinVar:

ClinVar aggregate classification (germline): Pathogenic (1 of 4 stars; one submission).

Conditions:
PHGDH deficiency. Identifiers: Orphanet 79351, MedGen C1866174, MONDO:0011152, OMIM 601815.

Submission:

Labcorp Genetics (formerly Invitae), Labcorp
Classification: Pathogenic for PHGDH deficiency. Last evaluated: 2021-10-19. Review status: criteria provided, single submitter. Criteria: Invitae Variant Classification Sherloc (09022015). Collection method: clinical testing. Allele origin: germline.
Comment: For these reasons, this variant has been classified as Pathogenic. This variant has not been reported in the literature in individuals affected with PHGDH-related conditions. A gross deletion of the genomic region encompassing the full coding sequence of the PHGDH gene has been identified. Loss-of-function variants in PHGDH are known to be pathogenic (PMID: 14645240, 24836451). The boundaries of this event are unknown as they extend beyond the assayed region for this gene and therefore may encompass additional genes.

Literature cited by the submitters: PubMed 14645240; PubMed 24836451.

NC_000001.10:g.(?_120254636)_(120286673_?)del

Gene: PHGDH (phosphoglycerate dehydrogenase; plus strand). Cytogenetic location: 1p12.
Variant type: Deletion.
Identifiers: ClinVar variation 1456214 (VCV001456214.4).